The following is an entry in ClinVar:

NM_000051.4(ATM):c.3514G>C (p.Ala1172Pro)

Gene: ATM (ATM serine/threonine kinase; plus strand). Cytogenetic location: 11q22.3.
Variant type: single nucleotide variant.
Coding change: c.3514G>C on transcript NM_000051.4 (MANE Select); coding-DNA position 3514, G replaced by C.
Protein change: p.Ala1172Pro; replaces alanine 1172 with proline.
Molecular consequence: missense variant.
Genome position (GRCh38, 1-based): chr11:108,281,106, G>C. VCF-style: chr11-108281106-G-C. GRCh37 (hg19) VCF-style: chr11-108151833-G-C.
Other names: c.3514G>C, p.Ala1172Pro (NM_001351834.2); short protein forms A1172P.
Identifiers: ClinVar variation 481072 (VCV000481072.17), dbSNP rs779946941, ClinGen allele CA6265301.

ClinVar aggregate classification (germline): Uncertain significance. Review status: criteria provided, multiple submitters, no conflicts (2 of 4 stars). 4 submissions from 4 submitters: Uncertain significance (4). Last evaluated 2025-01-28.

Conditions:
Hereditary cancer-predisposing syndrome. Also called: Hereditary neoplastic syndrome; Neoplastic Syndromes, Hereditary; Tumor predisposition; Hereditary Cancer Syndrome. Identifiers: Orphanet 140162, MedGen C0027672, MeSH D009386, MONDO:0015356.
Ataxia-telangiectasia syndrome (AT). Also called: LOUIS-BAR SYNDROME; Cerebello-oculocutaneous telangiectasia; Immunodeficiency with ataxia telangiectasia; AT, COMPLEMENTATION GROUP C; Ataxia-telangiectasia, complementation group D; ATAXIA-TELANGIECTASIA, COMPLEMENTATION GROUP A. Identifiers: Orphanet 100, MedGen C0004135, MONDO:0008840, OMIM 208900.

Allele frequency attached by ClinVar (database versions not stated): gnomAD exomes below 0.00001; TOPMed 0.00001; gnomAD 0.00003.
gnomAD v4.1: 4 of 1,613,824 alleles (0.00025%); highest among the groups gnomAD compares: African/African-American, 0.0053%; no homozygotes.

Submissions (4):

Ambry Genetics
Classification: Uncertain significance for Hereditary cancer-predisposing syndrome. Last evaluated: 2025-01-28. Review status: criteria provided, single submitter. Criteria: Ambry Variant Classification Scheme 2023. Collection method: clinical testing. Allele origin: germline.
Comment: The p.A1172P variant (also known as c.3514G>C), located in coding exon 23 of the ATM gene, results from a G to C substitution at nucleotide position 3514. The alanine at codon 1172 is replaced by proline, an amino acid with highly similar properties. This amino acid position is highly conserved. In addition, this alteration is predicted to be deleterious by in silico analysis. Since supporting evidence is limited at this time, the clinical significance of this alteration remains unclear.

Quest Diagnostics Nichols Institute San Juan Capistrano
Classification: Uncertain significance. Last evaluated: 2024-07-02. Review status: criteria provided, single submitter. Criteria: Quest Diagnostics criteria. Collection method: clinical testing. Allele origin: unknown.

Labcorp Genetics (formerly Invitae), Labcorp
Classification: Uncertain significance for Ataxia-telangiectasia syndrome. Last evaluated: 2024-06-11. Review status: criteria provided, single submitter. Criteria: Invitae Variant Classification Sherloc (09022015). Collection method: clinical testing. Allele origin: germline.
Comment: This sequence change replaces alanine, which is neutral and non-polar, with proline, which is neutral and non-polar, at codon 1172 of the ATM protein (p.Ala1172Pro). This variant is present in population databases (rs779946941, gnomAD 0.01%). This variant has not been reported in the literature in individuals affected with ATM-related conditions. ClinVar contains an entry for this variant (Variation ID: 481072). An algorithm developed to predict the effect of missense changes on protein structure and function (PolyPhen-2) suggests that this variant is likely to be disruptive. In summary, the available evidence is currently insufficient to determine the role of this variant in disease. Therefore, it has been classified as a Variant of Uncertain Significance.

Color Diagnostics, LLC DBA Color Health
Classification: Uncertain significance for Hereditary cancer-predisposing syndrome. Last evaluated: 2018-12-13. Review status: criteria provided, single submitter. Criteria: ACMG Guidelines, 2015. Collection method: clinical testing. Allele origin: germline.